The following is an entry in ClinVar:

NM_005592.4(MUSK):c.2430G>C (p.Glu810Asp)

Gene: MUSK (muscle associated receptor tyrosine kinase; plus strand). Cytogenetic location: 9q31.3.
Variant type: single nucleotide variant.
Coding change: c.2430G>C on transcript NM_005592.4 (MANE Select); coding-DNA position 2430, G replaced by C.
Protein change: p.Glu810Asp; replaces glutamic acid 810 with aspartic acid.
Molecular consequence: missense variant.
Genome position (GRCh38, 1-based): chr9:110,800,808, G>C. VCF-style: chr9-110800808-G-C. GRCh37 (hg19) VCF-style: chr9-113563088-G-C.
Other names: c.2430G>C (NM_005592.3); c.2172G>C, p.Glu724Asp (NM_001166280.2); c.2142G>C, p.Glu714Asp (NM_001166281.2); c.1170G>C, p.Glu390Asp (NM_001369398.1); short protein forms E810D, E724D, E390D, E714D.
Identifiers: ClinVar variation 1400793 (VCV001400793.4), dbSNP rs1455145377, ClinGen allele CA374479729.

ClinVar aggregate classification (germline): Uncertain significance. Review status: criteria provided, multiple submitters, no conflicts (2 of 4 stars). 2 submissions from 2 submitters: Uncertain significance (2). Last evaluated 2024-10-16.

Conditions:
Fetal akinesia deformation sequence 1 (FADS1). Also called: Pena-Shokeir syndrome type I; Fetal akinesia sequence. Identifiers: Orphanet 994, MedGen C1276035, MONDO:0100101, OMIM 208150, HP:0001989.
Congenital myasthenic syndrome 9. Also called: Myasthenic syndrome, congenital, 9, associated with acetylcholine receptor deficiency. Identifiers: Orphanet 590, MedGen C4225368, MONDO:0014587, OMIM 616325.
Inborn genetic diseases. Identifiers: MedGen C0950123, MeSH D030342.

Allele frequency attached by ClinVar (database versions not stated): gnomAD 0.00001.
gnomAD v4.1: 1 of 1,613,436 alleles (0.000062%); highest among the groups gnomAD compares: Admixed American, 0.0017%; no homozygotes.

Submissions (2):

Ambry Genetics
Classification: Uncertain significance for Inborn genetic diseases. Last evaluated: 2024-10-16. Review status: criteria provided, single submitter. Criteria: Ambry Variant Classification Scheme 2023. Collection method: clinical testing. Allele origin: germline.

Labcorp Genetics (formerly Invitae), Labcorp
Classification: Uncertain significance for Congenital myasthenic syndrome 9; Fetal akinesia deformation sequence 1. Last evaluated: 2022-04-08. Review status: criteria provided, single submitter. Criteria: Invitae Variant Classification Sherloc (09022015). Collection method: clinical testing. Allele origin: germline.
Comment: This sequence change replaces glutamic acid, which is acidic and polar, with aspartic acid, which is acidic and polar, at codon 810 of the MUSK protein (p.Glu810Asp). This variant is not present in population databases (gnomAD no frequency). This variant has not been reported in the literature in individuals affected with MUSK-related conditions. Advanced modeling of protein sequence and biophysical properties (such as structural, functional, and spatial information, amino acid conservation, physicochemical variation, residue mobility, and thermodynamic stability) performed at Invitae indicates that this missense variant is not expected to disrupt MUSK protein function. In summary, the available evidence is currently insufficient to determine the role of this variant in disease. Therefore, it has been classified as a Variant of Uncertain Significance.